The following is an entry in ClinVar:

NM_000350.3(ABCA4):c.1882G>A (p.Ala628Thr)

Gene: ABCA4 (ATP binding cassette subfamily A member 4; minus strand). Cytogenetic location: 1p22.1.
Variant type: single nucleotide variant.
Coding change: c.1882G>A on transcript NM_000350.3 (MANE Select); coding-DNA position 1882, G replaced by A.
Protein change: p.Ala628Thr; replaces alanine 628 with threonine.
Molecular consequence: missense variant.
Genome position (GRCh38, 1-based): chr1:94,062,632, C>T on the plus strand (G>A on the coding strand, the complement: ABCA4 is on the minus strand). VCF-style: chr1-94062632-C-T. GRCh37 (hg19) VCF-style: chr1-94528188-C-T.
Other names: c.1882G>A, p.Ala628Thr (NM_001425324.1); short protein forms A628T.
Identifiers: ClinVar variation 1444729 (VCV001444729.6), dbSNP rs753058962, ClinGen allele CA958404.

ClinVar aggregate classification (germline): Uncertain significance. Review status: criteria provided, multiple submitters, no conflicts (2 of 4 stars). 2 submissions from 2 submitters: Uncertain significance (2). Last evaluated 2026-01-23.

Allele frequency attached by ClinVar (database versions not stated): gnomAD 0.00001; ExAC 0.00002.
gnomAD v4.1: 16 of 1,614,050 alleles (0.00099%); highest among the groups gnomAD compares: South Asian, 0.015%; no homozygotes.

Submissions (2):

Labcorp Genetics (formerly Invitae), Labcorp
Classification: Uncertain significance. Last evaluated: 2026-01-23. Review status: criteria provided, single submitter. Criteria: Invitae Variant Classification Sherloc (09022015). Collection method: clinical testing. Allele origin: germline.
Comment: This sequence change replaces alanine, which is neutral and non-polar, with threonine, which is neutral and polar, at codon 628 of the ABCA4 protein (p.Ala628Thr). This variant is present in population databases (rs753058962, gnomAD 0.02%). This missense change has been observed in individual(s) with Stargardt disease (PMID: 39043154). ClinVar contains an entry for this variant (Variation ID: 1444729). Invitae Evidence Modeling of protein sequence and biophysical properties (such as structural, functional, and spatial information, amino acid conservation, physicochemical variation, residue mobility, and thermodynamic stability) indicates that this missense variant is not expected to disrupt ABCA4 protein function with a negative predictive value of 95%. In summary, the available evidence is currently insufficient to determine the role of this variant in disease. Therefore, it has been classified as a Variant of Uncertain Significance.

Blueprint Genetics
Classification: Uncertain significance. Last evaluated: 2021-09-29. Review status: criteria provided, single submitter. Criteria: ACMG Guidelines, 2015. Collection method: clinical testing. Allele origin: germline.

Literature cited by the submitters: PubMed 39043154 (cited by Labcorp Genetics (formerly Invitae), Labcorp).